The following is an entry in ClinVar:

NM_000059.4(BRCA2):c.8582_8583del (p.Arg2861fs)

Gene: BRCA2 (BRCA2 DNA repair associated; plus strand). Cytogenetic location: 13q13.1.
Variant type: Microsatellite.
Coding change: c.8582_8583del on transcript NM_000059.4 (MANE Select); coding-DNA positions 8582 to 8583, 2 bases deleted (GA; older notation c.8582_8583delGA).
Protein change: p.Arg2861fs; shifts the reading frame from arginine 2861.
Molecular consequence: frameshift variant.
Genome position (GRCh38, 1-based): chr13:32,371,050-32,371,051, GA deleted; deleting any 2 consecutive bases within chr13:32,371,047-32,371,051 gives the same sequence; the c. name uses the placement nearest the transcript's 3' end. VCF-style (leftmost placement, unchanged base first): chr13-32371046-AAG-A. GRCh37 (hg19) VCF-style: chr13-32945183-AAG-A.
Other names: c.8582_8583delGA (NM_000059.3); short protein forms R2861fs.
Identifiers: ClinVar variation 646503 (VCV000646503.7), dbSNP rs1593931185, ClinGen allele CA915946899.
Genomic context (GRCh38, chr13:32,371,046, plus strand): 5'-ATATTTCGCAATGAAAGAGAGGAAGAAAAGGAAGCAGCAAAATATGTGGAGGCCCAACAA[AAG>A]AGACTAGAAGCCTTATTCACTAAAATTCAGGAGGAATTTGAAGAACATGAAGGTAAAATT-3'

ClinVar aggregate classification (germline): Pathogenic (1 of 4 stars; one submission).

Conditions:
Hereditary breast ovarian cancer syndrome. Also called: Hereditary breast and ovarian cancer; Hereditary breast and ovarian cancer syndrome; BRCA1- and BRCA2-Associated Hereditary Breast and Ovarian Cancer; Hereditary breast and ovarian cancer syndrome (HBOC); Breast and ovarian cancer; Hereditary breast and/or ovarian cancer syndrome. Identifiers: Orphanet 145, MedGen C0677776, MeSH D061325, MONDO:0003582. Disease mechanism: loss of function.

Submission:

Labcorp Genetics (formerly Invitae), Labcorp
Classification: Pathogenic for Hereditary breast ovarian cancer syndrome. Last evaluated: 2023-10-23. Review status: criteria provided, single submitter. Criteria: Invitae Variant Classification Sherloc (09022015). Collection method: clinical testing. Allele origin: germline.
Comment: This sequence change creates a premature translational stop signal (p.Arg2861Thrfs*7) in the BRCA2 gene. It is expected to result in an absent or disrupted protein product. Loss-of-function variants in BRCA2 are known to be pathogenic (PMID: 20104584). This variant is not present in population databases (gnomAD no frequency). This variant has not been reported in the literature in individuals affected with BRCA2-related conditions. ClinVar contains an entry for this variant (Variation ID: 646503). For these reasons, this variant has been classified as Pathogenic.

Literature cited by the submitters: PubMed 20104584.